The following is an entry in ClinVar:

NM_000540.3(RYR1):c.3196del (p.Ser1066fs)

Gene: RYR1 (ryanodine receptor 1; plus strand). Cytogenetic location: 19q13.2.
Variant type: Deletion.
Coding change: c.3196del on transcript NM_000540.3 (MANE Select); coding-DNA position 3196, one base deleted (T; older notation c.3196delT).
Protein change: p.Ser1066fs; shifts the reading frame from serine 1066.
Molecular consequence: frameshift variant.
Genome position (GRCh38, 1-based): chr19:38,467,627, T deleted. VCF-style (leftmost placement, unchanged base first): chr19-38467626-GT-G. GRCh37 (hg19) VCF-style: chr19-38958266-GT-G.
Other names: c.3196del, p.Ser1066fs (NM_001042723.2); short protein forms S1066fs.
Identifiers: ClinVar variation 3070188 (VCV003070188.2), dbSNP rs1377274434, ClinGen allele CA882050751.

ClinVar aggregate classification (germline): Conflicting classifications of pathogenicity. Review status: criteria provided, conflicting classifications (1 of 4 stars). 2 submissions from 2 submitters: Pathogenic (1); Uncertain significance (1). Last evaluated 2026-01-28.

Conditions:
RYR1-related disorder. Also called: RYR1-related condition; RYR1-related disorders. Identifiers: MedGen CN239331.
Malignant hyperthermia, susceptibility to, 1 (MHS1). Also called: RYR1-Related Malignant Hyperthermia Susceptibility; Anesthesia related hyperthermia; Malignant hyperpyrexia; Fulminating hyperpyrexia; Pharmacogenic myopathy; Malignant hyperthermia suceptibility 1. Identifiers: Orphanet 423, MedGen C2930980, MONDO:0007783, OMIM 145600.

Allele frequency attached by ClinVar (database versions not stated): TOPMed below 0.00001; gnomAD 0.00001.

Submissions (2):

Labcorp Genetics (formerly Invitae), Labcorp
Classification: Pathogenic for RYR1-related disorder. Last evaluated: 2026-01-28. Review status: criteria provided, single submitter. Criteria: Invitae Variant Classification Sherloc (09022015). Collection method: clinical testing. Allele origin: germline.
Comment: This sequence change creates a premature translational stop signal (p.Ser1066Leufs*43) in the RYR1 gene. It is expected to result in an absent or disrupted protein product. Loss-of-function variants in RYR1 are known to be pathogenic (PMID: 23919265, 25960145, 28818389, 30611313). This variant is not present in population databases (gnomAD no frequency). This premature translational stop signal has been observed in individual(s) with RYR1-related conditions (PMID: 22473935). ClinVar contains an entry for this variant (Variation ID: 3070188). For these reasons, this variant has been classified as Pathogenic.

All of Us Research Program, National Institutes of Health
Classification: Uncertain significance for Malignant hyperthermia, susceptibility to, 1. Last evaluated: 2023-04-03. Review status: criteria provided, single submitter. Criteria: ACMG Guidelines, 2015. Collection method: clinical testing. Allele origin: germline. Inheritance: Autosomal dominant inheritance. Observed: 1 variant allele, 1 heterozygote.
Comment: This variant deletes 1 nucleotide in exon 25 of the RYR1 gene, creating a frameshift and premature translation stop signal. This variant is expected to result in an absent or non-functional protein product. This variant has not been reported in individuals affected with autosomal dominant malignant hyperthermia in the literature, although it has been reported in an individual with an RYR1-related myopathy (PMID: 22473935). This variant has not been identified in the general population by the Genome Aggregation Database (gnomAD). Loss of RYR1 function due to haploinsufficiency is not an established disease mechanism for autosomal dominant malignant hyperthermia. Due to insufficient evidence, this variant is classified as a Variant of Uncertain Significance for autosomal dominant malignant hyperthermia.

This study involves interpretation of variants in research participants for the purpose of population health screening. Participant phenotype was not available at the time of variant classification. Additional details can be found in publication PMID: 35346344, PMCID: PMC8962531

Literature cited by the submitters: PubMed 23919265 (cited by Labcorp Genetics (formerly Invitae), Labcorp); PubMed 25960145 (cited by Labcorp Genetics (formerly Invitae), Labcorp); PubMed 28818389 (cited by Labcorp Genetics (formerly Invitae), Labcorp); PubMed 30611313 (cited by Labcorp Genetics (formerly Invitae), Labcorp); PubMed 22473935 (cited by Labcorp Genetics (formerly Invitae), Labcorp and All of Us Research Program, National Institutes of Health).